The following is an entry in ClinVar:

ClinVar aggregate classification (germline): Uncertain significance. Review status: criteria provided, multiple submitters, no conflicts (2 of 4 stars). 2 submissions from 2 submitters: Uncertain significance (2). Last evaluated 2024-10-22.

Conditions:
Early-infantile DEE. Also called: Early infantile epileptic encephalopathy; Ohtahara syndrome; Early infantile epileptic encephalopathy with suppression bursts. Identifiers: Orphanet 1934, MedGen C0393706, MONDO:0800491.
Inborn genetic diseases. Identifiers: MedGen C0950123, MeSH D030342.

Allele frequency attached by ClinVar (database versions not stated): gnomAD exomes below 0.00001 and 0.00001; ExAC 0.00001.
gnomAD v4.1: 2 of 1,612,678 alleles (0.00012%); highest among the groups gnomAD compares: Admixed American, 0.0033%; no homozygotes.

Submissions (2):

Labcorp Genetics (formerly Invitae), Labcorp
Classification: Uncertain significance for Early-infantile DEE. Last evaluated: 2024-10-22. Review status: criteria provided, single submitter. Criteria: Invitae Variant Classification Sherloc (09022015). Collection method: clinical testing. Allele origin: germline.
Comment: This sequence change replaces phenylalanine, which is neutral and non-polar, with isoleucine, which is neutral and non-polar, at codon 496 of the KCNQ2 protein (p.Phe496Ile). This variant is present in population databases (rs762518963, gnomAD 0.009%). This variant has not been reported in the literature in individuals affected with KCNQ2-related conditions. ClinVar contains an entry for this variant (Variation ID: 1463507). Invitae Evidence Modeling of protein sequence and biophysical properties (such as structural, functional, and spatial information, amino acid conservation, physicochemical variation, residue mobility, and thermodynamic stability) indicates that this missense variant is expected to disrupt KCNQ2 protein function with a positive predictive value of 95%. In summary, the available evidence is currently insufficient to determine the role of this variant in disease. Therefore, it has been classified as a Variant of Uncertain Significance.

Ambry Genetics
Classification: Uncertain significance for Inborn genetic diseases. Last evaluated: 2018-04-20. Review status: criteria provided, single submitter. Criteria: Ambry Variant Classification Scheme 2023. Collection method: clinical testing. Allele origin: germline.
Comment: The p.F496I variant (also known as c.1486T>A), located in coding exon 13 of the KCNQ2 gene, results from a T to A substitution at nucleotide position 1486. The phenylalanine at codon 496 is replaced by isoleucine, an amino acid with highly similar properties. This amino acid position is highly conserved in available vertebrate species. In addition, the in silico prediction for this alteration is inconclusive. Since supporting evidence is limited at this time, the clinical significance of this alteration remains unclear.

NM_172107.4(KCNQ2):c.1486T>A (p.Phe496Ile)

Gene: KCNQ2 (potassium voltage-gated channel subfamily Q member 2; minus strand). Cytogenetic location: 20q13.33.
Variant type: single nucleotide variant.
Coding change: c.1486T>A on transcript NM_172107.4 (MANE Select); coding-DNA position 1486, T replaced by A.
Protein change: p.Phe496Ile; replaces phenylalanine 496 with isoleucine.
Molecular consequence: missense variant.
Genome position (GRCh38, 1-based): chr20:63,414,942, A>T on the plus strand (T>A on the coding strand, the complement: KCNQ2 is on the minus strand). VCF-style: chr20-63414942-A-T. GRCh37 (hg19) VCF-style: chr20-62046295-A-T.
Other names: c.1432T>A, p.Phe478Ile (NM_001382235.1, NM_172106.3); c.1402T>A, p.Phe468Ile (NM_004518.6); c.1396T>A, p.Phe466Ile (NM_172108.5); short protein forms F468I, F496I, F478I, F466I.
Identifiers: ClinVar variation 1463507 (VCV001463507.11), dbSNP rs762518963, ClinGen allele CA9958450.
Genomic context (GRCh38, chr20:63,414,942, plus strand): 5'-AGAGGATGCGGCCACACCCACCTTCTGAGTTCTGCCGTGACGCGGCACCCTTGATGCGGA[A>T]AGCCTGGCGTGCCCGGCTGCGGTCCCCGAAGCTCCAGCTCTTGGGCACCTTGCTGGGGCT-3'
Protein context (NP_742105.1, residues 486-506): FGDRSRARQA[Phe496Ile]RIKGAASRQN